The following is an entry in ClinVar:

ClinVar aggregate classification (germline): Uncertain significance. Review status: criteria provided, multiple submitters, no conflicts (2 of 4 stars). 3 submissions from 3 submitters: Uncertain significance (3). Last evaluated 2022-03-01.

Allele frequency attached by ClinVar (database versions not stated): gnomAD exomes 0.00001; ExAC 0.00002; gnomAD 0.00003; TOPMed 0.00006; ESP Exome Variant Server 0.00008.
gnomAD v4.1: 16 of 1,613,858 alleles (0.00099%); highest among the groups gnomAD compares: African/African-American, 0.004%; no homozygotes.

Submissions (3):

Labcorp Genetics (formerly Invitae), Labcorp
Classification: Uncertain significance. Last evaluated: 2022-03-01. Review status: criteria provided, single submitter. Criteria: Invitae Variant Classification Sherloc (09022015). Collection method: clinical testing. Allele origin: germline.
Comment: In summary, the available evidence is currently insufficient to determine the role of this variant in disease. Therefore, it has been classified as a Variant of Uncertain Significance. Algorithms developed to predict the effect of missense changes on protein structure and function (SIFT, PolyPhen-2, Align-GVGD) all suggest that this variant is likely to be disruptive. ClinVar contains an entry for this variant (Variation ID: 436073). This variant has not been reported in the literature in individuals affected with NSUN2-related conditions. This variant is present in population databases (rs371887249, gnomAD 0.008%). This sequence change replaces arginine, which is basic and polar, with tryptophan, which is neutral and slightly polar, at codon 602 of the NSUN2 protein (p.Arg602Trp).

GeneDx
Classification: Uncertain significance. Last evaluated: 2019-10-18. Review status: criteria provided, single submitter. Criteria: GeneDx Variant Classification Process June 2021. Collection method: clinical testing. Allele origin: germline. Affected: yes.
Comment: In silico analysis, which includes protein predictors and evolutionary conservation, supports a deleterious effect; Has not been previously published as pathogenic or benign to our knowledge

Genetic Services Laboratory, University of Chicago
Classification: Uncertain significance. Last evaluated: 2015-11-17. Review status: criteria provided, single submitter. Criteria: ACMG Guidelines, 2015. Collection method: clinical testing. Allele origin: germline. Affected: no.

NM_017755.6(NSUN2):c.1804C>T (p.Arg602Trp)

Gene: NSUN2 (NOP2/Sun RNA methyltransferase 2; minus strand). Cytogenetic location: 5p15.31.
Variant type: single nucleotide variant.
Coding change: c.1804C>T on transcript NM_017755.6 (MANE Select); coding-DNA position 1804, C replaced by T.
Protein change: p.Arg602Trp; replaces arginine 602 with tryptophan.
Molecular consequence: missense variant. On other transcripts: non-coding transcript variant (1).
Genome position (GRCh38, 1-based): chr5:6,604,619, G>A on the plus strand (C>T on the coding strand, the complement: NSUN2 is on the minus strand). VCF-style: chr5-6604619-G-A. GRCh37 (hg19) VCF-style: chr5-6604732-G-A.
Other names: c.1699C>T, p.Arg567Trp (NM_001193455.2); short protein forms R602W, R567W.
Identifiers: ClinVar variation 436073 (VCV000436073.10), dbSNP rs371887249, ClinGen allele CA3192319.